The following is an entry in ClinVar:

ClinVar aggregate classification (germline): Likely pathogenic. Review status: criteria provided, multiple submitters, no conflicts (2 of 4 stars). 2 submissions from 2 submitters: Likely pathogenic (2). Last evaluated 2025-09-01.

Conditions:
Nephronophthisis. Also called: Juvenile Nephronophthisis. Identifiers: Orphanet 655, MedGen C0687120, MONDO:0019005, HP:0000090.

Allele frequency attached by ClinVar (database versions not stated): gnomAD exomes below 0.00001; TOPMed below 0.00001.
gnomAD v4.1: 1 of 1,613,666 alleles (0.000062%); highest among the groups gnomAD compares: Non-Finnish European, 0.000085%; no homozygotes.

Submissions (2):

GeneDx
Classification: Likely pathogenic. Last evaluated: 2025-09-01. Review status: criteria provided, single submitter. Criteria: GeneDx Variant Classification Process June 2021. Collection method: clinical testing. Allele origin: germline. Affected: yes.
Comment: Canonical splice site variant predicted to result in a null allele in a gene for which loss of function is a known mechanism of disease; Not observed at significant frequency in large population cohorts (gnomAD); Reported as a heterozygous variant in a patient with nephronophthisis-related ciliopathy in the published literature; however, a second variant in INVS was not reported (PMID: 23559409); This variant is associated with the following publications: (PMID: 23559409)

Labcorp Genetics (formerly Invitae), Labcorp
Classification: Likely pathogenic for Nephronophthisis. Last evaluated: 2023-10-28. Review status: criteria provided, single submitter. Criteria: Invitae Variant Classification Sherloc (09022015). Collection method: clinical testing. Allele origin: germline.
Comment: This sequence change affects an acceptor splice site in intron 13 of the INVS gene. It is expected to disrupt RNA splicing. Variants that disrupt the donor or acceptor splice site typically lead to a loss of protein function (PMID: 16199547), and loss-of-function variants in INVS are known to be pathogenic (PMID: 12872123). This variant is not present in population databases (gnomAD no frequency). Disruption of this splice site has been observed in individual(s) with clinical features of nephronophthisis (PMID: 23559409). ClinVar contains an entry for this variant (Variation ID: 1980334). Algorithms developed to predict the effect of sequence changes on RNA splicing suggest that this variant may disrupt the consensus splice site. In summary, the currently available evidence indicates that the variant is pathogenic, but additional data are needed to prove that conclusively. Therefore, this variant has been classified as Likely Pathogenic.

Literature cited by the submitters: PubMed 16199547 (cited by Labcorp Genetics (formerly Invitae), Labcorp); PubMed 12872123 (cited by Labcorp Genetics (formerly Invitae), Labcorp); PubMed 23559409 (cited by Labcorp Genetics (formerly Invitae), Labcorp).

NM_014425.5(INVS):c.2069-1G>T

Gene: INVS (inversin; plus strand). Cytogenetic location: 9q31.1.
Variant type: single nucleotide variant.
Coding change: c.2069-1G>T on transcript NM_014425.5 (MANE Select); the canonical splice acceptor site of the intron before coding-DNA position 2069, G replaced by T.
Molecular consequence: splice acceptor variant.
Genome position (GRCh38, 1-based): chr9:100,292,325, G>T. VCF-style: chr9-100292325-G-T. GRCh37 (hg19) VCF-style: chr9-103054607-G-T.
Other names: c.1781-1G>T (NM_001318381.2); c.1091-1G>T (NM_001318382.2).
Identifiers: ClinVar variation 1980334 (VCV001980334.5), dbSNP rs1833643967, ClinGen allele CA374241795.